The following is an entry in ClinVar:

NM_014043.4(CHMP2B):c.37G>A (p.Val13Ile)

Gene: CHMP2B (charged multivesicular body protein 2B; plus strand). Cytogenetic location: 3p11.2.
Variant type: single nucleotide variant.
Coding change: c.37G>A on transcript NM_014043.4 (MANE Select); coding-DNA position 37, G replaced by A.
Protein change: p.Val13Ile; replaces valine 13 with isoleucine.
Molecular consequence: missense variant. On other transcripts: intron variant (1).
Genome position (GRCh38, 1-based): chr3:87,240,701, G>A. VCF-style: chr3-87240701-G-A. GRCh37 (hg19) VCF-style: chr3-87289851-G-A.
Other names: c.133G>A, p.Val45Ile (NM_001410777.1); c.4-5013G>A (NM_001244644.2); short protein forms V13I, V45I.
Identifiers: ClinVar variation 3757285 (VCV003757285.2).
Genomic context (GRCh38, chr3:87,240,701, plus strand): 5'-AAATGATATTGAAAATTTTACAACCCATAAATTTAGGTTTCTTTTGTGATTCTCCTAGAT[G>A]TAATAAAGGAACAGAATCGAGAGTTACGAGGTACACAGAGGGCTATAATCAGAGATCGAG-3'
Protein context (NP_054762.2, residues 3-23): SLFKKKTVDD[Val13Ile]IKEQNRELRG

ClinVar aggregate classification (germline): Uncertain significance (1 of 4 stars; one submission).

Conditions:
Frontotemporal dementia and/or amyotrophic lateral sclerosis 7 (FTDALS7). Also called: CHMP2B-related frontotemporal dementia; Amyotrophic lateral sclerosis 17; AMYOTROPHIC LATERAL SCLEROSIS, CHMP2B-RELATED; CHMP2B-Related Frontotemporal Dementia-Amyotrophic Lateral Sclerosis. Identifiers: Orphanet 275864, Orphanet 282, Orphanet 803, MedGen C1833296, MONDO:0010936, OMIM 600795.

Submission:

Labcorp Genetics (formerly Invitae), Labcorp
Classification: Uncertain significance for Frontotemporal dementia and/or amyotrophic lateral sclerosis 7. Last evaluated: 2024-07-17. Review status: criteria provided, single submitter. Criteria: Invitae Variant Classification Sherloc (09022015). Collection method: clinical testing. Allele origin: germline.
Comment: This sequence change replaces valine, which is neutral and non-polar, with isoleucine, which is neutral and non-polar, at codon 13 of the CHMP2B protein (p.Val13Ile). This variant is not present in population databases (gnomAD no frequency). This variant has not been reported in the literature in individuals affected with CHMP2B-related conditions. An algorithm developed to predict the effect of missense changes on protein structure and function (PolyPhen-2) suggests that this variant is likely to be tolerated. In summary, the available evidence is currently insufficient to determine the role of this variant in disease. Therefore, it has been classified as a Variant of Uncertain Significance.